The following is an entry in ClinVar:

NM_001270508.2(TNFAIP3):c.619A>C (p.Ile207Leu)

Genes: TNFAIP3 (TNF alpha induced protein 3; plus strand), LOC126859807 (MED14-independent group 3 enhancer GRCh37_chr6:138196296-138197495; plus strand). Cytogenetic location: 6q23.3.
Variant type: single nucleotide variant.
Coding change: c.619A>C on transcript NM_001270508.2 (MANE Select); coding-DNA position 619, A replaced by C.
Protein change: p.Ile207Leu; replaces isoleucine 207 with leucine.
Molecular consequence: missense variant.
Genome position (GRCh38, 1-based): chr6:137,875,820, A>C. VCF-style: chr6-137875820-A-C. GRCh37 (hg19) VCF-style: chr6-138196957-A-C.
Other names: c.619A>C, p.Ile207Leu (NM_001270507.2, NM_006290.4); short protein forms I207L.
Identifiers: ClinVar variation 135335 (VCV000135335.44), dbSNP rs141807543, ClinGen allele CA162417.
Genomic context (GRCh38, chr6:137,875,820, plus strand): 5'-CAGTACAACTCACTGGAAGAAATACACATATTTGTCCTTTGCAACATCCTCAGAAGGCCA[A>C]TCATTGTCATTTCAGGTGAGATGCCTGCAGATCACGGATCTGTACTTAAATGCTTTCAGC-3'
Protein context (NP_001257437.1, residues 197-217): FVLCNILRRP[Ile207Leu]IVISDKMLRS

ClinVar aggregate classification (germline): Benign/Likely benign. Review status: criteria provided, multiple submitters, no conflicts (2 of 4 stars). 8 submissions from 8 submitters: Benign (2); Likely benign (3). 3 of the submissions do not count toward it. Last evaluated 2026-01-27.

Conditions:
Autoinflammatory syndrome, familial, Behcet-like 1 (AIFBL1). Also called: Haploinsufficiency of A20. Identifiers: Orphanet 674762, MedGen C4225218, MONDO:0800045, OMIM 616744.
A20 haploinsufficiency. Identifiers: MedGen C5849639, MONDO:0100222.

Allele frequency attached by ClinVar (database versions not stated): gnomAD exomes 0.00002; ESP Exome Variant Server 0.00008; gnomAD 0.00013; TOPMed 0.00022.
gnomAD v4.1: 209 of 1,614,216 alleles (0.013%); highest among the groups gnomAD compares: Admixed American, 0.058%; 12 homozygotes.

Submissions (8):

Labcorp Genetics (formerly Invitae), Labcorp
Classification: Benign. Last evaluated: 2026-01-27. Review status: criteria provided, single submitter. Criteria: Invitae Variant Classification Sherloc (09022015). Collection method: clinical testing. Allele origin: germline.

Blueprint Genetics
Classification: Likely benign. Last evaluated: 2024-11-20. Review status: criteria provided, single submitter. Criteria: ACMG Guidelines, 2015. Collection method: clinical testing. Allele origin: germline.

ARUP Laboratories, Molecular Genetics and Genomics, ARUP Laboratories
Classification: Likely benign for Autoinflammatory syndrome, familial, Behcet-like 1. Last evaluated: 2024-01-02. Review status: criteria provided, single submitter. Criteria: ARUP Molecular Germline Variant Investigation Process 2024. Collection method: clinical testing. Allele origin: germline.

CeGaT Center for Human Genetics Tuebingen
Classification: Benign. Last evaluated: 2022-07-01. Review status: criteria provided, single submitter. Criteria: CeGaT Center For Human Genetics Tuebingen Variant Classification Criteria Version 2. Collection method: clinical testing. Allele origin: germline. Affected: yes. Observed: 1 variant allele.
Comment: TNFAIP3: BS1, BS2

Genetics and Molecular Pathology, SA Pathology
Classification: Likely benign for A20 haploinsufficiency. Last evaluated: 2019-07-30. Review status: criteria provided, single submitter. Criteria: ACMG Guidelines, 2015. Collection method: clinical testing. Allele origin: germline. Inheritance: Autosomal dominant inheritance. Affected: yes.

ITMI
No classification provided. Condition: AllHighlyPenetrant. Last evaluated: 2013-09-19. Review status: no classification provided. Collection method: reference population. Allele origin: germline. Not counted in ClinVar's aggregate classification.
Comment: Please see associated publication for description of ethnicities

Clinical Genetics DNA and cytogenetics Diagnostics Lab, Erasmus MC, Erasmus Medical Center
Classification: Likely benign. Review status: no assertion criteria provided. Collection method: clinical testing. Allele origin: germline. Affected: yes. Study: VKGL Data-share Consensus. Not counted in ClinVar's aggregate classification.

Genome Diagnostics Laboratory, University Medical Center Utrecht
Classification: Likely benign. Review status: no assertion criteria provided. Collection method: clinical testing. Allele origin: germline. Affected: yes. Study: VKGL Data-share Consensus. Not counted in ClinVar's aggregate classification.

Literature cited by the submitters: PubMed 24728327 (cited by ITMI).